The following is an entry in ClinVar:

NM_001379500.1(COL18A1):c.1195G>A (p.Gly399Ser)

Gene: COL18A1 (collagen type XVIII alpha 1 chain; plus strand). Cytogenetic location: 21q22.3.
Variant type: single nucleotide variant.
Coding change: c.1195G>A on transcript NM_001379500.1 (MANE Select); coding-DNA position 1195, G replaced by A.
Protein change: p.Gly399Ser; replaces glycine 399 with serine.
Molecular consequence: missense variant.
Genome position (GRCh38, 1-based): chr21:45,477,939, G>A. VCF-style: chr21-45477939-G-A. GRCh37 (hg19) VCF-style: chr21-46897853-G-A.
Other names: c.1735G>A, p.Gly579Ser (NM_030582.4); c.2440G>A, p.Gly814Ser (NM_130444.3); short protein forms G814S, G399S, G579S.
Identifiers: ClinVar variation 1445237 (VCV001445237.4), dbSNP rs769431765, ClinGen allele CA10066096.

ClinVar aggregate classification (germline): Uncertain significance. Review status: criteria provided, multiple submitters, no conflicts (2 of 4 stars). 2 submissions from 2 submitters: Uncertain significance (2). Last evaluated 2022-08-16.

Conditions:
Knobloch syndrome 1 (KNO1). Identifiers: MedGen C4551775, MONDO:0800167, OMIM 267750.
Hereditary glaucoma, primary closed-angle. Also called: Glaucoma, primary closed-angle. Identifiers: MedGen C5394374, MONDO:0030038, OMIM 618880.

Allele frequency attached by ClinVar (database versions not stated): gnomAD exomes 0.00002; TOPMed 0.00002; gnomAD 0.00003.

Submissions (2):

Labcorp Genetics (formerly Invitae), Labcorp
Classification: Uncertain significance. Last evaluated: 2022-08-16. Review status: criteria provided, single submitter. Criteria: Invitae Variant Classification Sherloc (09022015). Collection method: clinical testing. Allele origin: germline.
Comment: This sequence change replaces glycine, which is neutral and non-polar, with serine, which is neutral and polar, at codon 399 of the COL18A1 protein (p.Gly399Ser). The frequency data for this variant in the population databases is considered unreliable, as metrics indicate poor data quality at this position in the gnomAD database. This variant has not been reported in the literature in individuals affected with COL18A1-related conditions. ClinVar contains an entry for this variant (Variation ID: 1445237). Experimental studies and prediction algorithms are not available or were not evaluated, and the functional significance of this variant is currently unknown. In summary, the available evidence is currently insufficient to determine the role of this variant in disease. Therefore, it has been classified as a Variant of Uncertain Significance.

Fulgent Genetics
Classification: Uncertain significance for Knobloch syndrome 1; Hereditary glaucoma, primary closed-angle. Last evaluated: 2021-12-21. Review status: criteria provided, single submitter. Criteria: ACMG Guidelines, 2015. Collection method: clinical testing. Allele origin: unknown.